The following is an entry in ClinVar:

NM_152416.4(NDUFAF6):c.513C>G (p.Ile171Met)

Gene: NDUFAF6 (NADH:ubiquinone oxidoreductase complex assembly factor 6; plus strand). Cytogenetic location: 8q22.1.
Variant type: single nucleotide variant.
Coding change: c.513C>G on transcript NM_152416.4 (MANE Select); coding-DNA position 513, C replaced by G.
Protein change: p.Ile171Met; replaces isoleucine 171 with methionine.
Molecular consequence: missense variant. On other transcripts: non-coding transcript variant (6).
Genome position (GRCh38, 1-based): chr8:95,045,580, C>G. VCF-style: chr8-95045580-C-G. GRCh37 (hg19) VCF-style: chr8-96057808-C-G.
Other names: c.513C>G (NM_152416.2); c.180C>G, p.Ile60Met (NM_001354519.2, NM_001354534.2, NM_001354517.2 and 1 more transcripts); c.237C>G, p.Ile79Met (NM_001354521.2, NM_001330582.2, NM_001354514.2 and 1 more transcripts); c.57C>G, p.Ile19Met (NM_001354522.2, NM_001354524.2, NM_001354525.2 and 7 more transcripts); c.357C>G, p.Ile119Met (NM_001354516.2); short protein forms I171M, I19M, I119M, I79M, I60M.
Identifiers: ClinVar variation 2070157 (VCV002070157.5), dbSNP rs200347396, ClinGen allele CA4814828.

ClinVar aggregate classification (germline): Uncertain significance. Review status: criteria provided, multiple submitters, no conflicts (2 of 4 stars). 3 submissions from 3 submitters: Uncertain significance (3). Last evaluated 2025-12-07.

Conditions:
Inborn genetic diseases. Identifiers: MedGen C0950123, MeSH D030342.

Allele frequency attached by ClinVar (database versions not stated): TOPMed 0.00002; ESP Exome Variant Server 0.00008; 1000 Genomes Project 30x 0.00016; 1000 Genomes Project 0.00020; ExAC 0.00004; gnomAD 0.00003; gnomAD exomes 0.00010.
gnomAD v4.1: 146 of 1,613,340 alleles (0.009%); highest among the groups gnomAD compares: Non-Finnish European, 0.012%; no homozygotes.

Submissions (3):

GeneDx
Classification: Uncertain significance. Last evaluated: 2025-12-07. Review status: criteria provided, single submitter. Criteria: GeneDx Variant Classification Process June 2021. Collection method: clinical testing. Allele origin: germline.
Comment: Not observed at significant frequency in large population cohorts (gnomAD); In silico analysis suggests that this missense variant does not alter protein structure/function; Has not been previously published as pathogenic or benign to our knowledge

Ambry Genetics
Classification: Uncertain significance for Inborn genetic diseases. Last evaluated: 2024-06-16. Review status: criteria provided, single submitter. Criteria: Ambry Variant Classification Scheme 2023. Collection method: clinical testing. Allele origin: germline.

Labcorp Genetics (formerly Invitae), Labcorp
Classification: Uncertain significance. Last evaluated: 2024-06-10. Review status: criteria provided, single submitter. Criteria: Invitae Variant Classification Sherloc (09022015). Collection method: clinical testing. Allele origin: germline.
Comment: This sequence change replaces isoleucine, which is neutral and non-polar, with methionine, which is neutral and non-polar, at codon 171 of the NDUFAF6 protein (p.Ile171Met). This variant is present in population databases (rs200347396, gnomAD 0.01%). This variant has not been reported in the literature in individuals affected with NDUFAF6-related conditions. ClinVar contains an entry for this variant (Variation ID: 2070157). Advanced modeling of protein sequence and biophysical properties (such as structural, functional, and spatial information, amino acid conservation, physicochemical variation, residue mobility, and thermodynamic stability) performed at Invitae indicates that this missense variant is not expected to disrupt NDUFAF6 protein function with a negative predictive value of 80%. In summary, the available evidence is currently insufficient to determine the role of this variant in disease. Therefore, it has been classified as a Variant of Uncertain Significance.